The following is an entry in ClinVar:

NM_001029896.2(WDR45):c.827+10C>G

Gene: WDR45 (WD repeat domain 45; minus strand). Cytogenetic location: Xp11.23.
Variant type: single nucleotide variant.
Coding change: c.827+10C>G on transcript NM_001029896.2 (MANE Select); 10 bases into the intron after coding-DNA position 827, C replaced by G.
Molecular consequence: intron variant.
Genome position (GRCh38, 1-based): chrX:49,075,354, G>C on the plus strand (C>G on the coding strand, the complement: WDR45 is on the minus strand). VCF-style: chrX-49075354-G-C. GRCh37 (hg19) VCF-style: chrX-48933013-G-C.
Other names: c.830+10C>G (NM_007075.4).
Identifiers: ClinVar variation 392747 (VCV000392747.1), dbSNP rs1057524612, ClinGen allele CA16609188.

ClinVar aggregate classification (germline): Likely benign (1 of 4 stars; one submission).

gnomAD v4.1: 2 of 1,208,242 alleles (0.00017%); highest among the groups gnomAD compares: African/African-American, 0.0017%; no homozygotes.

Submission:

GeneDx
Classification: Likely benign. Last evaluated: 2017-01-12. Review status: criteria provided, single submitter. Criteria: GeneDx Variant Classification (06012015). Collection method: clinical testing. Allele origin: germline. Affected: yes.
Comment: This variant is considered likely benign or benign based on one or more of the following criteria: it is a conservative change, it occurs at a poorly conserved position in the protein, it is predicted to be benign by multiple in silico algorithms, and/or has population frequency not consistent with disease.